The following is an entry in ClinVar:

NM_001040142.2(SCN2A):c.1672-2786C>T

Gene: SCN2A (sodium voltage-gated channel alpha subunit 2; plus strand). Cytogenetic location: 2q24.3.
Variant type: single nucleotide variant.
Coding change: c.1672-2786C>T on transcript NM_001040142.2 (MANE Select); 2786 bases into the intron before coding-DNA position 1672, C replaced by T.
Molecular consequence: intron variant.
Genome position (GRCh38, 1-based): chr2:165,320,370, C>T. VCF-style: chr2-165320370-C-T. GRCh37 (hg19) VCF-style: chr2-166176880-C-T.
Other names: c.1672-2786C>T (NM_001040143.2, NM_001371246.1, NM_001371247.1 and 1 more transcripts).
Identifiers: ClinVar variation 2651486 (VCV002651486.24), dbSNP rs571088461, ClinGen allele CA59734732.

ClinVar aggregate classification (germline): Likely benign (1 of 4 stars; one submission).

Allele frequency attached by ClinVar (database versions not stated): 1000 Genomes Project 0.00040; 1000 Genomes Project 30x 0.00047; gnomAD 0.00106; TOPMed 0.00116.

Submission:

CeGaT Center for Human Genetics Tuebingen
Classification: Likely benign. Last evaluated: 2022-11-01. Review status: criteria provided, single submitter. Criteria: CeGaT Center For Human Genetics Tuebingen Variant Classification Criteria Version 2. Collection method: clinical testing. Allele origin: germline. Affected: yes. Observed: 1 variant allele.
Comment: SCN2A: BS1